The following is an entry in ClinVar:

ClinVar aggregate classification (germline): Likely benign (1 of 4 stars; one submission).

Allele frequency attached by ClinVar (database versions not stated): gnomAD exomes 0.00144; gnomAD 0.01229 and 0.01303; TOPMed 0.01452; 1000 Genomes Project 0.01498; 1000 Genomes Project 30x 0.01624.
gnomAD v4.1: 2,211 of 389,904 alleles (0.57%); highest among the groups gnomAD compares: African/African-American, 4.1%; 43 homozygotes.

Submission:

GeneDx
Classification: Likely benign. Last evaluated: 2018-06-14. Review status: criteria provided, single submitter. Criteria: GeneDx Variant Classification (06012015). Collection method: clinical testing. Allele origin: germline. Affected: yes.
Comment: This variant is considered likely benign or benign based on one or more of the following criteria: it is a conservative change, it occurs at a poorly conserved position in the protein, it is predicted to be benign by multiple in silico algorithms, and/or has population frequency not consistent with disease.

NM_182961.4(SYNE1):c.4311-286T>G

Gene: SYNE1 (spectrin repeat containing nuclear envelope protein 1; minus strand). Cytogenetic location: 6q25.2.
Variant type: single nucleotide variant.
Coding change: c.4311-286T>G on transcript NM_182961.4 (MANE Select); 286 bases into the intron before coding-DNA position 4311, T replaced by G.
Molecular consequence: intron variant.
Genome position (GRCh38, 1-based): chr6:152,434,231, A>C on the plus strand (T>G on the coding strand, the complement: SYNE1 is on the minus strand). VCF-style: chr6-152434231-A-C. GRCh37 (hg19) VCF-style: chr6-152755366-A-C.
Other names: c.4332-286T>G (NM_033071.5).
Identifiers: ClinVar variation 672733 (VCV000672733.1), dbSNP rs76193964, ClinGen allele CA150221944.